The following is an entry in ClinVar:

ClinVar aggregate classification (germline): Uncertain significance. Review status: criteria provided, multiple submitters, no conflicts (2 of 4 stars). 3 submissions from 3 submitters: Uncertain significance (3). Last evaluated 2026-01-22.

Conditions:
TPM3-related disorder. Also called: TPM3-related condition.
Congenital myopathy with fiber type disproportion. Also called: Congenital fiber-type disproportion; Congenital fiber-type disproportion myopathy. Identifiers: Orphanet 2020, MedGen C0546264, MONDO:0009711. Inheritance: all.
Congenital myopathy 4B, autosomal recessive. Also called: Nemaline myopathy 1, autosomal dominant or recessive. Identifiers: Orphanet 171433, Orphanet 171439, Orphanet 171881, MedGen C5829889, MONDO:0012239, OMIM 609284.

Allele frequency attached by ClinVar (database versions not stated): ExAC 0.00002; gnomAD exomes 0.00002; gnomAD 0.00015 and 0.00016; 1000 Genomes Project 30x 0.00016; 1000 Genomes Project 0.00020; TOPMed 0.00027.
gnomAD v4.1: 32 of 1,612,374 alleles (0.002%); highest among the groups gnomAD compares: Admixed American, 0.05%; no homozygotes.

Submissions (3):

Labcorp Genetics (formerly Invitae), Labcorp
Classification: Uncertain significance for Congenital myopathy with fiber type disproportion; Congenital myopathy 4B, autosomal recessive. Last evaluated: 2026-01-22. Review status: criteria provided, single submitter. Criteria: Invitae Variant Classification Sherloc (09022015). Collection method: clinical testing. Allele origin: germline.
Comment: This sequence change replaces tyrosine, which is neutral and polar, with phenylalanine, which is neutral and non-polar, at codon 222 of the TPM3 protein (p.Tyr222Phe). This variant is present in population databases (rs142817656, gnomAD 0.01%). This variant has not been reported in the literature in individuals affected with TPM3-related conditions. ClinVar contains an entry for this variant (Variation ID: 652272). Invitae Evidence Modeling of protein sequence and biophysical properties (such as structural, functional, and spatial information, amino acid conservation, physicochemical variation, residue mobility, and thermodynamic stability) indicates that this missense variant is not expected to disrupt TPM3 protein function with a negative predictive value of 80%. In summary, the available evidence is currently insufficient to determine the role of this variant in disease. Therefore, it has been classified as a Variant of Uncertain Significance.

PreventionGenetics, part of Exact Sciences
Classification: Uncertain significance for TPM3-related condition. Last evaluated: 2025-09-09. Review status: criteria provided, single submitter. Criteria: ACMG Guidelines, 2015. Collection method: clinical testing. Allele origin: germline.
Comment: The TPM3 c.665A>T variant is predicted to result in the amino acid substitution p.Tyr222Phe. To our knowledge, this variant has not been reported in the literature. This variant is reported in 0.011% of alleles in individuals of Latino descent in gnomAD. At this time, the clinical significance of this variant is uncertain due to the absence of conclusive functional and genetic evidence.

Revvity Omics, Revvity
Classification: Uncertain significance. Last evaluated: 2020-10-27. Review status: criteria provided, single submitter. Criteria: ACMG Guidelines, 2015. Collection method: clinical testing. Allele origin: germline.

NM_152263.4(TPM3):c.665A>T (p.Tyr222Phe)

Gene: TPM3 (tropomyosin 3; minus strand). Cytogenetic location: 1q21.3.
Variant type: single nucleotide variant.
Coding change: c.665A>T on transcript NM_152263.4 (MANE Select); coding-DNA position 665, A replaced by T.
Protein change: p.Tyr222Phe; replaces tyrosine 222 with phenylalanine.
Molecular consequence: missense variant. On other transcripts: non-coding transcript variant (1), intron variant (1).
Genome position (GRCh38, 1-based): chr1:154,170,689, T>A on the plus strand (A>T on the coding strand, the complement: TPM3 is on the minus strand). VCF-style: chr1-154170689-T-A. GRCh37 (hg19) VCF-style: chr1-154143165-T-A.
Other names: c.554A>T, p.Tyr185Phe (NM_001043351.2, NM_001043352.2, NM_001043353.2 and 4 more transcripts); c.356A>T, p.Tyr119Phe (NM_001278188.2); c.284A>T, p.Tyr95Phe (NM_001278191.2); c.665A>T, p.Tyr222Phe (NM_001364679.2, NM_001364680.2, NM_001364681.2 and 1 more transcripts); c.532-220A>T (NM_001278190.2); short protein forms Y185F, Y95F, Y222F, Y119F.
Identifiers: ClinVar variation 652272 (VCV000652272.9), dbSNP rs142817656, ClinGen allele CA1125561.
Genomic context (GRCh38, chr1:154,170,689, plus strand): 5'-TATAAATCCCCTCAGCTCACCTCCTTGAGTTTATCAGTAAGAATCTTGATTTCTTCCTCA[T>A]ATTTATCTTCTTTTTGAGAGTACTGTAAGATAAGTAGATTAAAAATTTCAGAGTAGAAAT-3'
Protein context (NP_689476.2, residues 212-232): AEKYSQKEDK[Tyr222Phe]EEEIKILTDK